The following is an entry in ClinVar:

NM_000222.3(KIT):c.*790A>G

Gene: KIT (KIT proto-oncogene, receptor tyrosine kinase; plus strand). Cytogenetic location: 4q12.
Variant type: single nucleotide variant.
Coding change: c.*790A>G on transcript NM_000222.3 (MANE Select); 790 bases downstream of the stop codon, A replaced by G.
Molecular consequence: 3 prime UTR variant.
Genome position (GRCh38, 1-based): chr4:54,739,347, A>G. VCF-style: chr4-54739347-A-G. GRCh37 (hg19) VCF-style: chr4-55605513-A-G.
Other names: c.*790A>G (NM_001093772.2, NM_001385284.1, NM_001385285.1 and 4 more transcripts).
Identifiers: ClinVar variation 348965 (VCV000348965.5), dbSNP rs189995563, ClinGen allele CA10621237.
Genomic context (GRCh38, chr4:54,739,347, plus strand): 5'-CGTTTCTGTATACAACCCTGGCATTATGTCCACTGTGTATAGAAGTAGATTAAGAGCCAT[A>G]TAAGTTTGAAGGAAACAGTTAATACCATTTTTTAAGGAAACAATATAACCACAAAGCACA-3'

ClinVar aggregate classification (germline): Benign/Likely benign. Review status: criteria provided, single submitter (1 of 4 stars). 3 submissions from 1 submitter: Benign (1); Likely benign (2). Last evaluated 2018-01-13.

Conditions:
Mastocytosis. Also called: Mast Cell Disease. Identifiers: Orphanet 98292, MedGen C0024899, MONDO:0007950, HP:0100495.
Gastrointestinal stromal tumor. Also called: Gastrointestinal stromal tumor, somatic; Gastrointestinal stroma tumor. Identifiers: Orphanet 44890, MedGen C0238198, MeSH D046152, MONDO:0011719, OMIM 606764, HP:0100723.
Piebaldism. Also called: Piebald skin depigmentation. Identifiers: Orphanet 2884, MedGen C0080024, MONDO:0008244, OMIM 172800, HP:0007544.

Allele frequency attached by ClinVar (database versions not stated): gnomAD 0.00059 and 0.00060; 1000 Genomes Project 30x 0.00062; gnomAD exomes 0.00065; TOPMed 0.00071; 1000 Genomes Project 0.00080.
gnomAD v4.1: 149 of 234,820 alleles (0.063%); highest among the groups gnomAD compares: Admixed American, 0.2%; 1 homozygote.

Submissions (3):

Illumina Laboratory Services, Illumina
Classification: Benign for Cutaneous mastocytosis. Last evaluated: 2018-01-13. Review status: criteria provided, single submitter. Criteria: ICSL Variant Classification Criteria 13 December 2019. Collection method: clinical testing. Allele origin: germline.
Comment: This variant was observed in the ICSL laboratory as part of a predisposition screen in an ostensibly healthy population. It had not been previously curated by ICSL or reported in the Human Gene Mutation Database (HGMD: prior to June 1st, 2018), and was therefore a candidate for classification through an automated scoring system. Utilizing variant allele frequency, disease prevalence and penetrance estimates, and inheritance mode, an automated score was calculated to assess if this variant is too frequent to cause the disease. Based on the score and internal cut-off values, a variant classified as benign is not then subjected to further curation. The score for this variant resulted in a classification of benign for this disease.

Illumina Laboratory Services, Illumina
Classification: Likely benign for Gastrointestinal stromal tumor. Last evaluated: 2018-01-13. Review status: criteria provided, single submitter. Criteria: ICSL Variant Classification Criteria 13 December 2019. Collection method: clinical testing. Allele origin: germline.
Comment: This variant was observed in the ICSL laboratory as part of a predisposition screen in an ostensibly healthy population. It had not been previously curated by ICSL or reported in the Human Gene Mutation Database (HGMD: prior to June 1st, 2018), and was therefore a candidate for classification through an automated scoring system. Utilizing variant allele frequency, disease prevalence and penetrance estimates, and inheritance mode, an automated score was calculated to assess if this variant is too frequent to cause the disease. Based on the score and internal cut-off values, a variant classified as likely benign is not then subjected to further curation. The score for this variant resulted in a classification of likely benign for this disease.

Illumina Laboratory Services, Illumina
Classification: Likely benign for Piebaldism. Last evaluated: 2018-01-13. Review status: criteria provided, single submitter. Criteria: ICSL Variant Classification Criteria 13 December 2019. Collection method: clinical testing. Allele origin: germline.
Comment: the same text as in the submission from Illumina Laboratory Services, Illumina above.